The following is an entry in ClinVar:

ClinVar aggregate classification (germline): not provided (0 of 4 stars; one submission).

Allele frequency attached by ClinVar (database versions not stated): gnomAD exomes below 0.00001; gnomAD 0.00001.

Submission:

Human Evolutionary Genetics, Institut Pasteur
No classification provided. Review status: no classification provided. Collection method: not provided. Allele origin: germline.
ClinVar note: Converted during submission from untested to not provided.

NM_001370466.1(NOD2):c.2466-41G>A

Gene: NOD2 (nucleotide binding oligomerization domain containing 2; plus strand). Cytogenetic location: 16q12.1.
Variant type: single nucleotide variant.
Coding change: c.2466-41G>A on transcript NM_001370466.1 (MANE Select); 41 bases into the intron before coding-DNA position 2466, G replaced by A.
Molecular consequence: intron variant.
Genome position (GRCh38, 1-based): chr16:50,716,850, G>A. VCF-style: chr16-50716850-G-A. GRCh37 (hg19) VCF-style: chr16-50750761-G-A.
Other names: c.2547-41G>A (LRG_177t1, NM_022162.3); c.2466-41G>A (NM_001293557.2).
Identifiers: ClinVar variation 103124 (VCV000103124.2), dbSNP rs199475920, ClinGen allele CA230155.